The following is an entry in ClinVar:

NM_001134363.3(RBM20):c.2132G>C (p.Arg711Pro)

Gene: RBM20 (RNA binding motif protein 20; plus strand). Cytogenetic location: 10q25.2.
Variant type: single nucleotide variant.
Coding change: c.2132G>C on transcript NM_001134363.3 (MANE Select); coding-DNA position 2132, G replaced by C.
Protein change: p.Arg711Pro; replaces arginine 711 with proline.
Molecular consequence: missense variant.
Genome position (GRCh38, 1-based): chr10:110,812,529, G>C. VCF-style: chr10-110812529-G-C. GRCh37 (hg19) VCF-style: chr10-112572287-G-C.
Other names: short protein forms R711P.
Identifiers: ClinVar variation 1489581 (VCV001489581.8), dbSNP rs1448017649, ClinGen allele CA378372114.

ClinVar aggregate classification (germline): Uncertain significance (1 of 4 stars; one submission).

Conditions:
Dilated cardiomyopathy 1DD (CMD1DD). Identifiers: Orphanet 154, MedGen C2750995, MONDO:0013168, OMIM 613172.

Submission:

Labcorp Genetics (formerly Invitae), Labcorp
Classification: Uncertain significance for Dilated cardiomyopathy 1DD. Last evaluated: 2020-11-28. Review status: criteria provided, single submitter. Criteria: Invitae Variant Classification Sherloc (09022015). Collection method: clinical testing. Allele origin: germline.
Comment: Advanced modeling of protein sequence and biophysical properties (such as structural, functional, and spatial information, amino acid conservation, physicochemical variation, residue mobility, and thermodynamic stability) performed at Invitae indicates that this missense variant is expected to disrupt RBM20 protein function. In summary, the available evidence is currently insufficient to determine the role of this variant in disease. Therefore, it has been classified as a Variant of Uncertain Significance. This sequence change replaces arginine with proline at codon 711 of the RBM20 protein (p.Arg711Pro). The arginine residue is highly conserved and there is a moderate physicochemical difference between arginine and proline. This variant is not present in population databases (ExAC no frequency). This variant has not been reported in the literature in individuals with RBM20-related conditions.